The following is an entry in ClinVar:

ClinVar aggregate classification (germline): VUS-mid (1 of 4 stars; one submission).

Conditions:
Zygodactyly type 1. Identifiers: Orphanet 295187, Orphanet 93402, MedGen C1853294, MONDO:0012351, OMIM 609815.

Submission:

Dr. Orhan Ocalgiray Molecular Biology-Biotechnology and Genetics Research Centre (MOBGAM), Istanbul Technical University
Classification: VUS-mid for Zygodactyly type 1. Review status: criteria provided, single submitter. Criteria: ACMG Guidelines, 2015. Collection method: research. Allele origin: germline. Inheritance: Autosomal dominant inheritance. Affected: yes. Observed: 1 variant allele, 1 heterozygote.
Comment: Variant rs4590 is found only in one haplotype in Turkish ZD1 group including 35 unrelated alleles. Variant is frequent in the Turkish population (0.275 in Turks, 306/1114 alleles) and not enriched in ZD1 group compared to general population. For this reason it is assessed as VUS.

NM_022834.5(VWA1):c.*643C>G

Gene: VWA1 (von Willebrand factor A domain containing 1; plus strand). Cytogenetic location: 1p36.33.
Variant type: single nucleotide variant.
Coding change: c.*643C>G on transcript NM_022834.5 (MANE Select); 643 bases downstream of the stop codon, C replaced by G.
Molecular consequence: 3 prime UTR variant.
Genome position (GRCh38, 1-based): chr1:1,440,430, C>G. VCF-style: chr1-1440430-C-G. GRCh37 (hg19) VCF-style: chr1-1375810-C-G.
Other names: c.*1391C>G (NM_199121.3).
Identifiers: ClinVar variation 4687867 (VCV004687867.1).
Genomic context (GRCh38, chr1:1,440,430, plus strand): 5'-TAGCAGCCACTGGGAATCAGAGGAATGGGGCAGAGCTGGGCATTCAGGACCTTGAGGACA[C>G]GTGACCCCACCCGCCCACCGCCACTATCAGGCCCCGGGACCGCACTGACAGGAAACCTTC-3'